The following is an entry in ClinVar:

ClinVar aggregate classification (germline): Likely benign (0 of 4 stars; one submission).

Conditions:
RTTN-related disorder. Also called: RTTN-related condition.

Submission:

PreventionGenetics, part of Exact Sciences
Classification: Likely benign for RTTN-related condition. Last evaluated: 2024-04-25. Review status: no assertion criteria provided. Collection method: clinical testing. Allele origin: germline.
Comment: This variant is classified as likely benign based on ACMG/AMP sequence variant interpretation guidelines (Richards et al. 2015 PMID: 25741868, with internal and published modifications).

NM_173630.4(RTTN):c.4303-27_4303-10del

Gene: RTTN (rotatin; minus strand). Cytogenetic location: 18q22.2.
Variant type: Deletion.
Coding change: c.4303-27_4303-10del on transcript NM_173630.4 (MANE Select); 27 bases into the intron before coding-DNA position 4303 through 10 bases into the intron before coding-DNA position 4303, 18 bases deleted (TTTTTTTTTTTTTTTTTA).
Molecular consequence: intron variant.
Genome position (GRCh38, 1-based): chr18:70,086,694-70,086,711, TAAAAAAAAAAAAAAAAA deleted on the plus strand (TTTTTTTTTTTTTTTTTA on the coding strand, the reverse complement: RTTN is on the minus strand). VCF-style (leftmost placement, unchanged base first): chr18-70086693-GTAAAAAAAAAAAAAAAAA-G. GRCh37 (hg19) VCF-style: chr18-67753929-GTAAAAAAAAAAAAAAAAA-G.
Other names: c.1567-27_1567-10del (NM_001318520.2).
Identifiers: ClinVar variation 3350028 (VCV003350028.1).